The following is an entry in ClinVar:

ClinVar aggregate classification (germline): Uncertain significance (1 of 4 stars; one submission).

Allele frequency attached by ClinVar (database versions not stated): gnomAD exomes below 0.00001.

Submission:

Labcorp Genetics (formerly Invitae), Labcorp
Classification: Uncertain significance. Last evaluated: 2022-01-28. Review status: criteria provided, single submitter. Criteria: Invitae Variant Classification Sherloc (09022015). Collection method: clinical testing. Allele origin: germline.
Comment: In summary, the available evidence is currently insufficient to determine the role of this variant in disease. Therefore, it has been classified as a Variant of Uncertain Significance. Variants that disrupt the consensus splice site are a relatively common cause of aberrant splicing (PMID: 17576681, 9536098). Algorithms developed to predict the effect of sequence changes on RNA splicing suggest that this variant may disrupt the consensus splice site. This variant has not been reported in the literature in individuals affected with DGAT1-related conditions. The frequency data for this variant in the population databases is considered unreliable, as metrics indicate poor data quality at this position in the gnomAD database. This sequence change falls in intron 16 of the DGAT1 gene. It does not directly change the encoded amino acid sequence of the DGAT1 protein. It affects a nucleotide within the consensus splice site.

Literature cited by the submitters: PubMed 17576681; PubMed 9536098.

NM_012079.6(DGAT1):c.1311+5G>A

Gene: DGAT1 (diacylglycerol O-acyltransferase 1; minus strand). Cytogenetic location: 8q24.3.
Variant type: single nucleotide variant.
Coding change: c.1311+5G>A on transcript NM_012079.6 (MANE Select); 5 bases into the intron after coding-DNA position 1311, G replaced by A.
Molecular consequence: intron variant.
Genome position (GRCh38, 1-based): chr8:144,316,848, C>T on the plus strand (G>A on the coding strand, the complement: DGAT1 is on the minus strand). VCF-style: chr8-144316848-C-T. GRCh37 (hg19) VCF-style: chr8-145540511-C-T.
Identifiers: ClinVar variation 1923379 (VCV001923379.5), dbSNP rs1554847120, ClinGen allele CA586161861.
Genomic context (GRCh38, chr8:144,316,848, plus strand): 5'-GTCAGCCGAGGGGTTCAGGTGCGGGGTAACTGGGCGAGTGAGGAGGCCACGTGGGGGTCA[C>T]TCACCTGAGCCATCATGCCCGTGAACGCCCAGAGGCGGAACATTCGCAGAGGGACGCTCA-3'